The following is an entry in ClinVar:

ClinVar aggregate classification (germline): Uncertain significance (1 of 4 stars; one submission).

Conditions:
Developmental and epileptic encephalopathy, 27 (DEE27). Also called: Epileptic encephalopathy, early infantile, 27; GRIN2B-Related Neurodevelopmental Disorder. Identifiers: Orphanet 3451, MedGen C4015316, MONDO:0014505, OMIM 616139.
Intellectual developmental disorder, autosomal dominant 6, with or without seizures. Also called: Intellectual disability, autosomal dominant 6; GRIN2B-related developmental delay, intellectual disability and autism spectrum disorder. Identifiers: Orphanet 589547, MedGen C3151411, MONDO:0013509, OMIM 613970.

Submission:

Labcorp Genetics (formerly Invitae), Labcorp
Classification: Uncertain significance for Developmental and epileptic encephalopathy, 27; Intellectual developmental disorder, autosomal dominant 6, with or without seizures. Last evaluated: 2026-01-11. Review status: criteria provided, single submitter. Criteria: Invitae Variant Classification Sherloc (09022015). Collection method: clinical testing. Allele origin: germline.
Comment: This sequence change replaces aspartic acid, which is acidic and polar, with glutamic acid, which is acidic and polar, at codon 1185 of the GRIN2B protein (p.Asp1185Glu). This variant is not present in population databases (gnomAD no frequency). This variant has not been reported in the literature in individuals affected with GRIN2B-related conditions. Invitae Evidence Modeling of protein sequence and biophysical properties (such as structural, functional, and spatial information, amino acid conservation, physicochemical variation, residue mobility, and thermodynamic stability) indicates that this missense variant is not expected to disrupt GRIN2B protein function with a negative predictive value of 95%. In summary, the available evidence is currently insufficient to determine the role of this variant in disease. Therefore, it has been classified as a Variant of Uncertain Significance.

NM_000834.5(GRIN2B):c.3555C>G (p.Asp1185Glu)

Gene: GRIN2B (glutamate ionotropic receptor NMDA type subunit 2B; minus strand). Cytogenetic location: 12p13.1.
Variant type: single nucleotide variant.
Coding change: c.3555C>G on transcript NM_000834.5 (MANE Select); coding-DNA position 3555, C replaced by G.
Protein change: p.Asp1185Glu; replaces aspartic acid 1185 with glutamic acid.
Molecular consequence: missense variant.
Genome position (GRCh38, 1-based): chr12:13,563,683, G>C on the plus strand (C>G on the coding strand, the complement: GRIN2B is on the minus strand). VCF-style: chr12-13563683-G-C. GRCh37 (hg19) VCF-style: chr12-13716617-G-C.
Other names: c.3555C>G, p.Asp1185Glu (NM_001413992.1); short protein forms D1185E.
Identifiers: ClinVar variation 4794869 (VCV004794869.1).